The following is an entry in ClinVar:

ClinVar aggregate classification (germline): Uncertain significance (1 of 4 stars; one submission).

Submission:

Labcorp Genetics (formerly Invitae), Labcorp
Classification: Uncertain significance. Last evaluated: 2022-08-21. Review status: criteria provided, single submitter. Criteria: Invitae Variant Classification Sherloc (09022015). Collection method: clinical testing. Allele origin: germline.
Comment: In summary, the available evidence is currently insufficient to determine the role of this variant in disease. Therefore, it has been classified as a Variant of Uncertain Significance. Experimental studies and prediction algorithms are not available or were not evaluated, and the functional significance of this variant is currently unknown. This variant has not been reported in the literature in individuals affected with AK7-related conditions. This variant is present in population databases (rs781593749, gnomAD 0.01%). This variant, c.1271_1273del, results in the deletion of 1 amino acid(s) of the AK7 protein (p.Glu424del), but otherwise preserves the integrity of the reading frame.

NM_152327.5(AK7):c.1265AAG[2] (p.Glu424del)

Gene: AK7 (adenylate kinase 7; plus strand). Cytogenetic location: 14q32.2.
Variant type: Microsatellite.
Coding change: c.1265AAG[2] on transcript NM_152327.5 (MANE Select); two copies in a row of the 3-base unit AAG starting at c.1265; the reference has three copies in a row; one copy, 3 bases deleted.
Protein change: p.Glu424del; deletes glutamic acid 424.
Molecular consequence: inframe deletion.
Genome position (GRCh38, 1-based): chr14:96,458,126-96,458,128, AAG deleted; deleting any 3 consecutive bases within chr14:96,458,118-96,458,128 gives the same sequence; the position shown is the placement nearest the transcript's 3' end. VCF-style (leftmost placement, unchanged base first): chr14-96458117-GAGA-G. GRCh37 (hg19) VCF-style: chr14-96924454-GAGA-G.
Other names: c.1265AAG[2], p.Glu424del (NM_001350888.2, NM_001350890.2, NM_001350892.2); c.1187AAG[2], p.Glu398del (NM_001350891.2); short protein forms E398del, E424del.
Identifiers: ClinVar variation 2175263 (VCV002175263.2), dbSNP rs781593749, ClinGen allele CA7337797.
Genomic context (GRCh38, chr14:96,458,117, plus strand): 5'-AATGTGAATATCCCTGTGGTATGCAGGAGGCGATTGTTGCCCCTAACGATGTAGGGGAAG[GAGA>G]AGAAGAAGTCGAAGAGGAAGAGGAGGAGGAGAATGTGGAAGATGCACAGGAGCTCCTAGA-3'